The following is an entry in ClinVar:

NM_007327.4(GRIN1):c.83A>T (p.Asn28Ile)

Gene: GRIN1 (glutamate ionotropic receptor NMDA type subunit 1; plus strand). Cytogenetic location: 9q34.3.
Variant type: single nucleotide variant.
Coding change: c.83A>T on transcript NM_007327.4 (MANE Select); coding-DNA position 83, A replaced by T.
Protein change: p.Asn28Ile; replaces asparagine 28 with isoleucine.
Molecular consequence: missense variant.
Genome position (GRCh38, 1-based): chr9:137,139,569, A>T. VCF-style: chr9-137139569-A-T. GRCh37 (hg19) VCF-style: chr9-140034021-A-T.
Other names: c.83A>T, p.Asn28Ile (NM_000832.7, NM_001185090.2, NM_001185091.2 and 1 more transcripts); short protein forms N28I.
Identifiers: ClinVar variation 3776633 (VCV003776633.1).

ClinVar aggregate classification (germline): Uncertain significance (1 of 4 stars; one submission).

gnomAD v4.1: 1 of 1,613,124 alleles (0.000062%); highest among the groups gnomAD compares: African/African-American, 0.0013%; no homozygotes.

Submission:

GeneDx
Classification: Uncertain significance. Last evaluated: 2024-10-03. Review status: criteria provided, single submitter. Criteria: GeneDx Variant Classification Process June 2021. Collection method: clinical testing. Allele origin: germline. Affected: yes.
Comment: In silico analysis supports that this missense variant has a deleterious effect on protein structure/function; Has not been previously published as pathogenic or benign to our knowledge